The following is an entry in ClinVar:

ClinVar aggregate classification (germline): Uncertain significance (1 of 4 stars; one submission).

Conditions:
Developmental and epileptic encephalopathy, 7 (DEE7). Also called: Early infantile epileptic encephalopathy 7; KCNQ2-Related Neonatal Epileptic Encephalopathy; KCNQ2-Related Neonatal-Onset Developmental and Epileptic Encephalopathy (NEO-DEE). Identifiers: Orphanet 439218, MedGen C3150986, MONDO:0013387, OMIM 613720.

Submission:

Dasa
Classification: Uncertain significance for Developmental and epileptic encephalopathy, 7. Last evaluated: 2025-03-25. Review status: criteria provided, single submitter. Criteria: DASA Assertion Criteria. Collection method: clinical testing. Allele origin: germline.
Comment: NM_172107.4(KCNQ2):c.1943T>A (p.Met648Lys) is a missense variant that results in the substitution of methionine with lysine. This variant is absent from population databases. Computational prediction algorithms are consistent with a deleterious effect. The currently available literature and clinical evidence are not sufficient to establish a definitive association between this variant and the reported condition. Therefore, this variant is classified as a variant of uncertain significance.

NM_172107.4(KCNQ2):c.1943T>A (p.Met648Lys)

Gene: KCNQ2 (potassium voltage-gated channel subfamily Q member 2; minus strand). Cytogenetic location: 20q13.33.
Variant type: single nucleotide variant.
Coding change: c.1943T>A on transcript NM_172107.4 (MANE Select); coding-DNA position 1943, T replaced by A.
Protein change: p.Met648Lys; replaces methionine 648 with lysine.
Molecular consequence: missense variant.
Genome position (GRCh38, 1-based): chr20:63,407,320, A>T on the plus strand (T>A on the coding strand, the complement: KCNQ2 is on the minus strand). VCF-style: chr20-63407320-A-T. GRCh37 (hg19) VCF-style: chr20-62038673-A-T.
Other names: c.1850T>A, p.Met617Lys (NM_172108.5); c.1997T>A, p.Met666Lys (NM_001382235.1); c.1886T>A, p.Met629Lys (NM_001439003.1); c.1856T>A, p.Met619Lys (NM_001439004.1); c.1859T>A, p.Met620Lys (NM_004518.6); c.1889T>A, p.Met630Lys (NM_172106.3); short protein forms M617K, M619K, M620K, M629K, M630K, M648K, M666K.
Identifiers: ClinVar variation 4883726 (VCV004883726.2).